The following is an entry in ClinVar:

NM_003900.5(SQSTM1):c.531+6C>T

Gene: SQSTM1 (sequestosome 1; plus strand). Cytogenetic location: 5q35.3.
Variant type: single nucleotide variant.
Coding change: c.531+6C>T on transcript NM_003900.5 (MANE Select); 6 bases into the intron after coding-DNA position 531, C replaced by T.
Molecular consequence: intron variant.
Genome position (GRCh38, 1-based): chr5:179,824,093, C>T. VCF-style: chr5-179824093-C-T. GRCh37 (hg19) VCF-style: chr5-179251093-C-T.
Other names: c.279+6C>T (NM_001142298.2, NM_001142299.2).
Identifiers: ClinVar variation 3751692 (VCV003751692.2).

ClinVar aggregate classification (germline): Uncertain significance (1 of 4 stars; one submission).

Conditions:
Frontotemporal dementia and/or amyotrophic lateral sclerosis 1 (FTDALS1). Also called: Frontotemporal dementia with motor neuron disease 1; C9orf72 Frontotemporal Dementia and/or Amyotrophic Lateral Sclerosis. Identifiers: Orphanet 275872, MedGen C5779877, MONDO:0007105, OMIM 105550.
Paget disease of bone 2, early-onset (PDB2). Also called: Paget disease of bone 2. Identifiers: MedGen C4085251, MONDO:0011183, OMIM 602080.

gnomAD v4.1: 3 of 1,613,812 alleles (0.00019%); highest among the groups gnomAD compares: Admixed American, 0.005%; no homozygotes.

Submission:

Labcorp Genetics (formerly Invitae), Labcorp
Classification: Uncertain significance for Paget disease of bone 2, early-onset; Frontotemporal dementia and/or amyotrophic lateral sclerosis 1. Last evaluated: 2024-04-14. Review status: criteria provided, single submitter. Criteria: Invitae Variant Classification Sherloc (09022015). Collection method: clinical testing. Allele origin: germline.
Comment: This sequence change falls in intron 3 of the SQSTM1 gene. It does not directly change the encoded amino acid sequence of the SQSTM1 protein. It affects a nucleotide within the consensus splice site. This variant is present in population databases (no rsID available, gnomAD 0.009%). This variant has not been reported in the literature in individuals affected with SQSTM1-related conditions. Variants that disrupt the consensus splice site are a relatively common cause of aberrant splicing (PMID: 17576681, 9536098). Algorithms developed to predict the effect of sequence changes on RNA splicing suggest that this variant is not likely to affect RNA splicing. In summary, the available evidence is currently insufficient to determine the role of this variant in disease. Therefore, it has been classified as a Variant of Uncertain Significance.

Literature cited by the submitters: PubMed 17576681; PubMed 9536098.